The following is an entry in ClinVar:

ClinVar aggregate classification (germline): Uncertain significance (1 of 4 stars; one submission).

Conditions:
Early-onset Parkinson disease 20. Also called: PARKINSON DISEASE 20, AUTOSOMAL RECESSIVE EARLY-ONSET. Identifiers: Orphanet 391411, MedGen C3809824, MONDO:0014233, OMIM 615530.
Developmental and epileptic encephalopathy, 53. Also called: Epileptic encephalopathy, early infantile, 53. Identifiers: MedGen C4479313, MONDO:0033362, OMIM 617389.

Allele frequency attached by ClinVar (database versions not stated): ExAC 0.00002; gnomAD 0.00003; gnomAD exomes 0.00003 and 0.00006; TOPMed 0.00003.
gnomAD v4.1: 97 of 1,606,568 alleles (0.006%); highest among the groups gnomAD compares: Non-Finnish European, 0.0075%; no homozygotes.

Submission:

Labcorp Genetics (formerly Invitae), Labcorp
Classification: Uncertain significance for Developmental and epileptic encephalopathy, 53; Early-onset Parkinson disease 20. Last evaluated: 2022-09-01. Review status: criteria provided, single submitter. Criteria: Invitae Variant Classification Sherloc (09022015). Collection method: clinical testing. Allele origin: germline.
Comment: This sequence change replaces tyrosine, which is neutral and polar, with cysteine, which is neutral and slightly polar, at codon 763 of the SYNJ1 protein (p.Tyr763Cys). This variant is present in population databases (rs201485861, gnomAD 0.006%). This variant has not been reported in the literature in individuals affected with SYNJ1-related conditions. ClinVar contains an entry for this variant (Variation ID: 569415). Algorithms developed to predict the effect of missense changes on protein structure and function are either unavailable or do not agree on the potential impact of this missense change (SIFT: "Tolerated"; PolyPhen-2: "Probably Damaging"; Align-GVGD: "Class C15"). In summary, the available evidence is currently insufficient to determine the role of this variant in disease. Therefore, it has been classified as a Variant of Uncertain Significance.

NM_203446.3(SYNJ1):c.2171A>G (p.Tyr724Cys)

Gene: SYNJ1 (synaptojanin 1; minus strand). Cytogenetic location: 21q22.11.
Variant type: single nucleotide variant.
Coding change: c.2171A>G on transcript NM_203446.3 (MANE Select); coding-DNA position 2171, A replaced by G.
Protein change: p.Tyr724Cys; replaces tyrosine 724 with cysteine.
Molecular consequence: missense variant.
Genome position (GRCh38, 1-based): chr21:32,665,046, T>C on the plus strand (A>G on the coding strand, the complement: SYNJ1 is on the minus strand). VCF-style: chr21-32665046-T-C. GRCh37 (hg19) VCF-style: chr21-34037356-T-C.
Other names: c.2171A>G, p.Tyr724Cys (NM_001160302.2); c.2156A>G, p.Tyr719Cys (NM_001160306.2); c.2288A>G, p.Tyr763Cys (NM_003895.4); short protein forms Y763C, Y724C, Y719C.
Identifiers: ClinVar variation 569415 (VCV000569415.6), dbSNP rs201485861, ClinGen allele CA10003717.
Genomic context (GRCh38, chr21:32,665,046, plus strand): 5'-TCTTTAACTTCTTCGTTAGGGAGATCGATTCGATAGTTGAAATCACCACACCAAAATACA[T>C]AGTCATGGGAAAATAGCATCCTTCCCTGAAAGCAATGAGATAGAATTTTAAATTCAAAAC-3'
Protein context (NP_982271.3, residues 714-734): PMGRMLFSHD[Tyr724Cys]VFWCGDFNYR